The following is an entry in ClinVar:

NM_000128.4(F11):c.1262T>C (p.Ile421Thr)

Gene: F11 (coagulation factor XI; plus strand). Cytogenetic location: 4q35.2.
Variant type: single nucleotide variant.
Coding change: c.1262T>C on transcript NM_000128.4 (MANE Select); coding-DNA position 1262, T replaced by C.
Protein change: p.Ile421Thr; replaces isoleucine 421 with threonine.
Molecular consequence: missense variant.
Genome position (GRCh38, 1-based): chr4:186,284,218, T>C. VCF-style: chr4-186284218-T-C. GRCh37 (hg19) VCF-style: chr4-187205372-T-C.
Other names: c.1214T>C, p.Ile405Thr (NM_001440590.1, NM_001440596.1); c.1262T>C, p.Ile421Thr (NM_001440593.1); c.992T>C, p.Ile331Thr (NM_001440605.1, NM_001440607.1); c.944T>C, p.Ile315Thr (NM_001440606.1, NM_001440608.1); short protein forms I315T, I331T, I405T, I421T.
Identifiers: ClinVar variation 4686573 (VCV004686573.1).

ClinVar aggregate classification (germline): Uncertain significance (1 of 4 stars; one submission).

Conditions:
Hereditary factor XI deficiency disease. Also called: PLASMA THROMBOPLASTIN ANTECEDENT DEFICIENCY; PTA DEFICIENCY; ROSENTHAL SYNDROME; Congenital factor XI deficiency. Identifiers: Orphanet 329, MedGen C0015523, MeSH D005173, MONDO:0012897, OMIM 612416.

gnomAD v4.1: 1 of 1,614,240 alleles (0.000062%); highest among the groups gnomAD compares: Non-Finnish European, 0.000085%; no homozygotes.

Submission:

Cell Therapy Center, University of Jordan
Classification: Uncertain significance for Hereditary factor XI deficiency disease. Last evaluated: 2024-12-01. Review status: criteria provided, single submitter. Criteria: ACMG Guidelines, 2015. Collection method: clinical testing. Allele origin: germline. Inheritance: Autosomal recessive inheritance. Affected: yes. Observed: 1 homozygote.
Comment: The F11 c.1262T>C (p.Ile421Thr), is a missense variant which classified as VUS according to ACMG Guidelines (2015). PM2 applies since it is absent from controls in Sequencing Project the genomAD. PP2 applies since a missense variant in the F11 gene is a common cause of disease. PP3 applies since in silico prediction is deleterious and probably damaging 0.999 according to SIFT and Polyphen, respectively. We have found moderate evidence of pathogenicity, where PM3 applies since it was detected in trans (tested in parents and offspring for the patient) in a recessive manner, but we kept it as VUS since no in vivo testing was done.

Literature cited by the submitters: PubMed 41124306.